The following is an entry in ClinVar:

NC_000016.9:g.(?_84182606)_(84211452_?)del

Genes: DNAAF1 (dynein axonemal assembly factor 1; plus strand), TAF1C (TATA-box binding protein associated factor, RNA polymerase I subunit C; minus strand). Cytogenetic location: 16q23.3-24.1.
Variant type: Deletion.
Identifiers: ClinVar variation 1076147 (VCV001076147.15).

ClinVar aggregate classification (germline): Pathogenic (1 of 4 stars; one submission).

Conditions:
Primary ciliary dyskinesia. Also called: Ciliary dyskinesia. Identifiers: Orphanet 244, MedGen C0008780, MONDO:0016575, HP:0012265.

Submission:

Labcorp Genetics (formerly Invitae), Labcorp
Classification: Pathogenic for Primary ciliary dyskinesia. Last evaluated: 2016-07-18. Review status: criteria provided, single submitter. Criteria: Invitae Variant Classification Sherloc (09022015). Collection method: clinical testing. Allele origin: germline.
Comment: A gross deletion of the genomic region encompassing the full coding sequence of the DNAAF1 gene has been identified. The boundaries of this event are unknown as the deletion extends beyond the assayed region for this gene and therefore may encompass additional genes. While this particular variant has not been reported in the literature, loss-of-function variants in DNAAF1 are known to be pathogenic (PMID: 19944405, 19944400). For these reasons, this variant has been classified as Pathogenic.

Literature cited by the submitters: PubMed 19944405; PubMed 19944400.